The following is an entry in ClinVar:

NM_000210.4(ITGA6):c.*919A>G

Genes: ITGA6 (integrin subunit alpha 6; plus strand), PDK1-AS1 (PDK1 and ITGA6 antisense RNA 1; minus strand). Cytogenetic location: 2q31.1.
Variant type: single nucleotide variant.
Coding change: c.*919A>G on transcript NM_000210.4 (MANE Select); 919 bases downstream of the stop codon, A replaced by G.
Molecular consequence: 3 prime UTR variant.
Genome position (GRCh38, 1-based): chr2:172,504,987, A>G. VCF-style: chr2-172504987-A-G. GRCh37 (hg19) VCF-style: chr2-173369715-A-G.
Other names: c.*735A>G (NM_001079818.3, NM_001365529.2); c.*919A>G (NM_001316306.2, NM_001365530.2).
Identifiers: ClinVar variation 332406 (VCV000332406.5), dbSNP rs139374896, ClinGen allele CA10612801.

ClinVar aggregate classification (germline): Likely benign (1 of 4 stars; one submission).

Conditions:
Junctional epidermolysis bullosa with pyloric atresia. Also called: ITGB4-Related Epidermolysis Bullosa with Pyloric Atresia; ITGA6-Related Epidermolysis Bullosa with Pyloric Atresia; EPIDERMOLYSIS BULLOSA, JUNCTIONAL 5B, WITH PYLORIC ATRESIA; APLASIA CUTIS CONGENITA WITH GASTROINTESTINAL ATRESIA; CARMI SYNDROME; EB-PA-ACC. Identifiers: Orphanet 79403, MedGen C5676875, MONDO:0009183, OMIM 226730.

Allele frequency attached by ClinVar (database versions not stated): 1000 Genomes Project 0.00240; 1000 Genomes Project 30x 0.00250; gnomAD 0.00526 and 0.00548; TOPMed 0.00675; gnomAD exomes 0.00698.
gnomAD v4.1: 803 of 152,746 alleles (0.53%); highest among the groups gnomAD compares: Admixed American, 1.7%; 10 homozygotes.

Submission:

Illumina Laboratory Services, Illumina
Classification: Likely benign for Junctional epidermolysis bullosa with pyloric atresia. Last evaluated: 2018-01-13. Review status: criteria provided, single submitter. Criteria: ICSL Variant Classification Criteria 13 December 2019. Collection method: clinical testing. Allele origin: germline.
Comment: This variant was observed in the ICSL laboratory as part of a predisposition screen in an ostensibly healthy population. It had not been previously curated by ICSL or reported in the Human Gene Mutation Database (HGMD: prior to June 1st, 2018), and was therefore a candidate for classification through an automated scoring system. Utilizing variant allele frequency, disease prevalence and penetrance estimates, and inheritance mode, an automated score was calculated to assess if this variant is too frequent to cause the disease. Based on the score and internal cut-off values, a variant classified as likely benign is not then subjected to further curation. The score for this variant resulted in a classification of likely benign for this disease.